The following is an entry in ClinVar:

NM_001365480.1(CCDC88A):c.4422C>G (p.Asn1474Lys)

Gene: CCDC88A (coiled-coil and HOOK domain protein 88A; minus strand). Cytogenetic location: 2p16.1.
Variant type: single nucleotide variant.
Coding change: c.4422C>G on transcript NM_001365480.1 (MANE Select); coding-DNA position 4422, C replaced by G.
Protein change: p.Asn1474Lys; replaces asparagine 1474 with lysine.
Molecular consequence: missense variant. On other transcripts: intron variant (1).
Genome position (GRCh38, 1-based): chr2:55,303,118, G>C on the plus strand (C>G on the coding strand, the complement: CCDC88A is on the minus strand). VCF-style: chr2-55303118-G-C. GRCh37 (hg19) VCF-style: chr2-55530254-G-C.
Other names: c.4419C>G, p.Asn1473Lys (NM_001135597.2, NM_001254943.2); c.4388-1046C>G (NM_018084.5); short protein forms N1474K, N1473K.
Identifiers: ClinVar variation 1373691 (VCV001373691.6), dbSNP rs1314290428, ClinGen allele CA346914146.

ClinVar aggregate classification (germline): Uncertain significance (1 of 4 stars; one submission).

Submission:

Labcorp Genetics (formerly Invitae), Labcorp
Classification: Uncertain significance. Last evaluated: 2022-09-12. Review status: criteria provided, single submitter. Criteria: Invitae Variant Classification Sherloc (09022015). Collection method: clinical testing. Allele origin: germline.
Comment: This variant is not present in population databases (gnomAD no frequency). This variant has not been reported in the literature in individuals affected with CCDC88A-related conditions. ClinVar contains an entry for this variant (Variation ID: 1373691). Algorithms developed to predict the effect of missense changes on protein structure and function are either unavailable or do not agree on the potential impact of this missense change (SIFT: "Deleterious"; PolyPhen-2: "Probably Damaging"; Align-GVGD: "Class C0"). In summary, the available evidence is currently insufficient to determine the role of this variant in disease. Therefore, it has been classified as a Variant of Uncertain Significance. This sequence change replaces asparagine, which is neutral and polar, with lysine, which is basic and polar, at codon 1473 of the CCDC88A protein (p.Asn1473Lys).